The following is an entry in ClinVar:

ClinVar aggregate classification (germline): Uncertain significance (1 of 4 stars; one submission).

Allele frequency attached by ClinVar (database versions not stated): TOPMed below 0.00001; gnomAD exomes below 0.00001.

Submission:

Labcorp Genetics (formerly Invitae), Labcorp
Classification: Uncertain significance. Last evaluated: 2022-09-07. Review status: criteria provided, single submitter. Criteria: Invitae Variant Classification Sherloc (09022015). Collection method: clinical testing. Allele origin: germline.
Comment: This sequence change replaces serine, which is neutral and polar, with asparagine, which is neutral and polar, at codon 201 of the PLAA protein (p.Ser201Asn). This variant is not present in population databases (gnomAD no frequency). This variant has not been reported in the literature in individuals affected with PLAA-related conditions. ClinVar contains an entry for this variant (Variation ID: 1477033). Algorithms developed to predict the effect of missense changes on protein structure and function output the following: SIFT: "Tolerated"; PolyPhen-2: "Benign"; Align-GVGD: "Class C0". The asparagine amino acid residue is found in multiple mammalian species, which suggests that this missense change does not adversely affect protein function. In summary, the available evidence is currently insufficient to determine the role of this variant in disease. Therefore, it has been classified as a Variant of Uncertain Significance.

NM_001031689.3(PLAA):c.602G>A (p.Ser201Asn)

Gene: PLAA (phospholipase A2 activating protein; minus strand). Cytogenetic location: 9p21.2.
Variant type: single nucleotide variant.
Coding change: c.602G>A on transcript NM_001031689.3 (MANE Select); coding-DNA position 602, G replaced by A.
Protein change: p.Ser201Asn; replaces serine 201 with asparagine.
Molecular consequence: missense variant.
Genome position (GRCh38, 1-based): chr9:26,926,524, C>T on the plus strand (G>A on the coding strand, the complement: PLAA is on the minus strand). VCF-style: chr9-26926524-C-T. GRCh37 (hg19) VCF-style: chr9-26926522-C-T.
Other names: c.602G>A, p.Ser201Asn (NM_001321546.2); short protein forms S201N.
Identifiers: ClinVar variation 1477033 (VCV001477033.3), dbSNP rs1824971001, ClinGen allele CA373133728.
Genomic context (GRCh38, chr9:26,926,524, plus strand): 5'-CCAGTGATTTGCCACCTTCTAATACTAGCATCATTTGCACAGGAAAGAAATTCTGTTTCA[C>T]TCAAAATTGCCAAACCTCTTACACAGTCTTCATGCCCTGCATTAAAAAACAATAATGCAA-3'
Protein context (NP_001026859.1, residues 191-211): EDCVRGLAIL[Ser201Asn]ETEFLSCAND